The following is an entry in ClinVar:

NM_022168.4(IFIH1):c.875-11A>G

Gene: IFIH1 (interferon induced with helicase C domain 1; minus strand). Cytogenetic location: 2q24.2.
Variant type: single nucleotide variant.
Coding change: c.875-11A>G on transcript NM_022168.4 (MANE Select); 11 bases into the intron before coding-DNA position 875, A replaced by G.
Molecular consequence: intron variant.
Genome position (GRCh38, 1-based): chr2:162,288,366, T>C on the plus strand (A>G on the coding strand, the complement: IFIH1 is on the minus strand). VCF-style: chr2-162288366-T-C. GRCh37 (hg19) VCF-style: chr2-163144876-T-C.
Identifiers: ClinVar variation 2052426 (VCV002052426.6), dbSNP rs186664431, ClinGen allele CA1934672.

ClinVar aggregate classification (germline): Uncertain significance. Review status: criteria provided, multiple submitters, no conflicts (2 of 4 stars). 3 submissions from 3 submitters: Uncertain significance (3). Last evaluated 2026-02-24.

Conditions:
Aicardi-Goutieres syndrome 7 (AGS7). Identifiers: Orphanet 51, MedGen C3888244, MONDO:0014367, OMIM 615846.
Singleton-Merten syndrome 1 (SGMRT1). Also called: Widened medullary cavities of bone, aortic calcification, abnormal dentition, and muscular weakness; Syndrome of widened medullary cavities of the metacarpals and phalanges, aortic calcification and abnormal dentition. Identifiers: Orphanet 85191, MedGen C4225427, MONDO:0024535, OMIM 182250.
Immunodeficiency 95 (IMD95). Identifiers: MedGen C5676929, MONDO:0030692, OMIM 619773.

gnomAD v4.1: 69 of 1,603,770 alleles (0.0043%); highest among the groups gnomAD compares: Middle Eastern, 0.066%; 1 homozygote.

Submissions (3):

GeneDx
Classification: Uncertain significance. Last evaluated: 2026-02-24. Review status: criteria provided, single submitter. Criteria: GeneDx Variant Classification Process June 2021. Collection method: clinical testing. Allele origin: germline.
Comment: In silico analysis supports a deleterious effect on splicing; Has not been previously published as pathogenic or benign to our knowledge

Labcorp Genetics (formerly Invitae), Labcorp
Classification: Uncertain significance for Aicardi-Goutieres syndrome 7; Singleton-Merten syndrome 1. Last evaluated: 2026-01-19. Review status: criteria provided, single submitter. Criteria: Invitae Variant Classification Sherloc (09022015). Collection method: clinical testing. Allele origin: germline.
Comment: This sequence change falls in intron 4 of the IFIH1 gene. It does not directly change the encoded amino acid sequence of the IFIH1 protein. This variant is present in population databases (rs186664431, gnomAD 0.02%). This variant has not been reported in the literature in individuals affected with IFIH1-related conditions. ClinVar contains an entry for this variant (Variation ID: 2052426). Algorithms developed to predict the effect of sequence changes on RNA splicing suggest that this variant may disrupt the consensus splice site. In summary, the available evidence is currently insufficient to determine the role of this variant in disease. Therefore, it has been classified as a Variant of Uncertain Significance.

Intergen Genetics and Rare Diseases Diagnosis Center
Classification: Uncertain significance for Immunodeficiency 95. Last evaluated: 2023-08-28. Review status: criteria provided, single submitter. Criteria: ACMG Guidelines, 2015. Collection method: clinical testing. Allele origin: unknown. Inheritance: Autosomal recessive inheritance. Observed: 1 heterozygote.